The following is an entry in ClinVar:

ClinVar aggregate classification (germline): Uncertain significance (1 of 4 stars; one submission).

Submission:

GeneDx
Classification: Uncertain significance. Last evaluated: 2014-01-15. Review status: criteria provided, single submitter. Criteria: GeneDx Variant Classification (06012015). Collection method: clinical testing. Allele origin: germline. Affected: yes.
Comment: This variant is denoted BRCA1 c.4614_4615delGCinsTT GC>TT at the cDNA level, p.Gln1538His (Q1538H) at the protein level, and results in the change of a Glutamine to a Histidine (CAG>CAT). This variant has not, to our knowledge, been published in the literature as pathogenic or benign. BRCA1 Gln1538His was not observed in approximately 6,500 individuals of European and African American ancestry in the NHLBI Exome Sequencing Project, indicating it is not a common benign variant in these populations. This variant is a semi-conservative substitution in which a neutral polar amino acid is replaced with a positive polar one, altering a position that is moderately conserved throughout evolution and is not located in a known functional domain. In silico analyses predict this variant to have a benign effect on protein structure and function. Based on currently available information, it is unclear whether BRCA1 Gln1538His is pathogenic or benign. We consider it to be a variant of uncertain significance.

NM_007294.4(BRCA1):c.4614_4615delinsTT (p.Gln1538His)

Gene: BRCA1 (BRCA1 DNA repair associated; minus strand). Cytogenetic location: 17q21.31.
Variant type: Indel.
Coding change: c.4614_4615delinsTT on transcript NM_007294.4 (MANE Select); coding-DNA positions 4614 to 4615, GC replaced by TT.
Protein change: p.Gln1538His; replaces glutamine 1538 with histidine.
Molecular consequence: missense variant. On other transcripts: non-coding transcript variant (1).
Genome position (GRCh38, 1-based): chr17:43,074,391-43,074,392, GC replaced by AA on the plus strand (GC replaced by TT on the coding strand, the reverse complement: BRCA1 is on the minus strand). VCF-style: chr17-43074391-GC-AA. GRCh37 (hg19) VCF-style: chr17-41226408-GC-AA.
Other names: p.Q1538H:CAG>CAT; c.1302_1303delGCinsTT, p.Gln434His (NM_001407990.1, NM_001407991.1, NM_001407992.1 and 12 more transcripts); c.1299_1300delGCinsTT, p.Gln433His (NM_001408392.1, NM_001408396.1, NM_001408397.1 and 8 more transcripts); c.1296_1297delGCinsTT, p.Gln432His (NM_001408406.1, NM_001408407.1, NM_001408408.1); c.1293_1294delGCinsTT, p.Gln431His (NM_001408409.1); c.1230_1231delGCinsTT, p.Gln410His (NM_001408410.1); c.1227_1228delGCinsTT, p.Gln409His (NM_001408411.1); c.1224_1225delGCinsTT, p.Gln408His (NM_001408412.1, NM_001408413.1, NM_001408414.1 and 2 more transcripts); and 72 more; short protein forms Q1538H, Q434H, Q1491H, Q1559H, Q1369H, Q1425H, Q1426H, Q1427H.
Identifiers: ClinVar variation 182117 (VCV000182117.3), dbSNP rs730881464, ClinGen allele CA002929.
Genomic context (GRCh38, chr17:43,074,391, plus strand): 5'-CTAGATCTTGCCTTGGCAAGTAAGATGTTTCCGTCAAATCGTGTGGCCCAGACTCTTCCA[GC>AA]TGTTGCTCCTCCACATCAACAACCTTAATGAGCTCCTCTTGAGATGGGTAGTTTCTATTC-3'
Protein context (NP_009225.1, residues 1528-1548): LIKVVDVEEQ[Gln1538His]LEESGPHDLT